The following is an entry in ClinVar:

ClinVar aggregate classification (germline): Uncertain significance (0 of 4 stars; one submission).

Submissions (2):

Brotman Baty Institute, University of Washington
No classification provided (evidence only). Condition: Breast-ovarian cancer, familial 1. Review status: no classification provided. Collection method: in vitro. Allele origin: not applicable. Functional consequence: functionally_abnormal. Not counted in ClinVar's aggregate classification.
ClinVar note: "not provided" was previously submitted as the classification for the variant. However, the classification appeared to be based only on an observation of functional data so it was converted to no classification on 2025-07-30.

Department of Pathology and Laboratory Medicine, Sinai Health System
Classification: Uncertain significance. Review status: no assertion criteria provided. Collection method: clinical testing. Allele origin: unknown. Affected: yes. Study: The Canadian Open Genetics Repository (COGR).
Comment: The BRCA1 p.Val1713Glu variant was not identified in the literature, nor was it identified in dbSNP, the Genome Aggregation Database (Feb 27, 2017), COGR, ClinVar, COSMIC, MutDB, UMD, BIC, ARUP Laboratories, or in Zhejiang University databases. Although the p.Val1713 residue is not conserved in mammals and other organisms, computational analyses (PolyPhen-2, SIFT, AlignGVGD, BLOSUM, MutationTaster) suggest that the variant may impact the protein; this information is not very predictive of pathogenicity. The variant occurs outside of the splicing consensus sequence and in silico or computational prediction software programs (SpliceSiteFinder, MaxEntScan, NNSPLICE, GeneSplicer) do not predict a difference in splicing. In summary, based on the above information, the clinical significance of this variant cannot be determined with certainty at this time. This variant is classified as a variant of uncertain significance.

NM_007294.4(BRCA1):c.5138T>A (p.Val1713Glu)

Gene: BRCA1 (BRCA1 DNA repair associated; minus strand). Cytogenetic location: 17q21.31.
Variant type: single nucleotide variant.
Coding change: c.5138T>A on transcript NM_007294.4 (MANE Select); coding-DNA position 5138, T replaced by A.
Protein change: p.Val1713Glu; replaces valine 1713 with glutamic acid.
Molecular consequence: missense variant. On other transcripts: non-coding transcript variant (1).
Genome position (GRCh38, 1-based): chr17:43,063,888, A>T on the plus strand (T>A on the coding strand, the complement: BRCA1 is on the minus strand). VCF-style: chr17-43063888-A-T. GRCh37 (hg19) VCF-style: chr17-41215905-A-T.
Other names: c.4925T>A, p.Val1642Glu (NM_001407571.1, NM_001407894.1, NM_001407895.1 and 12 more transcripts); c.5204T>A, p.Val1735Glu (NM_001407581.1, NM_001407582.1); c.5201T>A, p.Val1734Glu (NM_001407583.1, NM_001407585.1, NM_001407587.1 and 1 more transcripts); c.5198T>A, p.Val1733Glu (NM_001407590.1, NM_001407591.1); c.5138T>A, p.Val1713Glu (NM_001407593.1, NM_001407594.1, NM_001407596.1 and 7 more transcripts); c.5135T>A, p.Val1712Glu (NM_001407616.1, NM_001407617.1, NM_001407618.1 and 17 more transcripts); c.5132T>A, p.Val1711Glu (NM_001407635.1, NM_001407636.1, NM_001407637.1 and 14 more transcripts); c.5129T>A, p.Val1710Glu (NM_001407644.1, NM_001407645.1); and 71 more; short protein forms V1666E, V1713E, V1734E, V609E, V1416E, V1544E, V1600E, V1624E.
Identifiers: ClinVar variation 868701 (VCV000868701.4), dbSNP rs80357132, ClinGen allele CA10591265.